The following is an entry in ClinVar:

NM_004100.5(EYA4):c.902_907dup (p.Gly302_Thr303insAsnGly)

Gene: EYA4 (EYA transcriptional coactivator and phosphatase 4; plus strand). Cytogenetic location: 6q23.2.
Variant type: Duplication.
Coding change: c.902_907dup on transcript NM_004100.5 (MANE Select); coding-DNA positions 902 to 907, 6 bases duplicated (ATGGCA; older notation c.902_907dupATGGCA).
Protein change: p.Gly302_Thr303insAsnGly.
Molecular consequence: inframe insertion.
Genome position (GRCh38, 1-based): chr6:133,468,663-133,468,668, ATGGCA duplicated. VCF-style (leftmost placement, unchanged base first): chr6-133468662-G-GATGGCA. GRCh37 (hg19) VCF-style: chr6-133789800-G-GATGGCA.
Other names: c.740_745dup, p.Gly248_Thr249insAsnGly (NM_001301012.2, NM_001370459.1); c.902_907dup, p.Gly302_Thr303insAsnGly (NM_001301013.2, NM_172105.4); c.833_838dup, p.Gly279_Thr280insAsnGly (NM_001370458.1, NM_172103.4).
Identifiers: ClinVar variation 163448 (VCV000163448.4), dbSNP rs727503051, ClinGen allele CA210620.

ClinVar aggregate classification (germline): Uncertain significance (1 of 4 stars; one submission).

Submission:

Laboratory for Molecular Medicine, Mass General Brigham Personalized Medicine
Classification: Uncertain significance. Last evaluated: 2015-05-05. Review status: criteria provided, single submitter. Criteria: LMM Criteria. Collection method: clinical testing. Allele origin: germline. Observed: 2 variant alleles.
Comment: The p.Gly302_Thr303insAsnGly variant in EYA4 has not been previously reported in individuals with hearing loss or in large population studies, though the abilit y of these studies to accurately detect indels may be limited. This variant caus es an in-frame insertion of two amino acid residues (Asn and Gly) between positi ons 302 and 303. The effect of this insertion on protein folding and function is not known. In summary, the clinical significance of the p.Gly302_Thr303insAsnGl y variant in uncertain.